The following is an entry in ClinVar:

ClinVar aggregate classification (germline): Conflicting classifications of pathogenicity. Review status: criteria provided, conflicting classifications (1 of 4 stars). 12 submissions from 12 submitters: Uncertain significance (7); Benign (1); Likely benign (2). 2 of the submissions do not count toward it. Last evaluated 2026-06-10.

Conditions:
Classic or attenuated familial adenomatous polyposis. Identifiers: MedGen CN372698, MONDO:0021057.
Familial adenomatous polyposis 1 (FAP1). Also called: FAMILIAL ADENOMATOUS POLYPOSIS 1, ATTENUATED; POLYPOSIS, ADENOMATOUS INTESTINAL. Identifiers: MedGen C2713442, MONDO:0021056, OMIM 175100. Disease mechanism: loss of function.
Gastric adenocarcinoma and proximal polyposis of the stomach (GAPPS). Also called: POLYPOSIS, GASTRIC; Gastric Adenocarcinoma and Proximal Polyposis of the Stomach (GAPPS); Polyposis, gastric, Dos Santos and de Magalhaes 1980. Identifiers: Orphanet 314022, MedGen C4749917, MONDO:0017790, OMIM 619182.
APC-related attenuated familial adenomatous polyposis. Identifiers: MedGen CN276349, MONDO:0016613.
Hereditary cancer-predisposing syndrome. Also called: Neoplastic Syndromes, Hereditary; Tumor predisposition; Hereditary neoplastic syndrome; Hereditary Cancer Syndrome. Identifiers: Orphanet 140162, MedGen C0027672, MeSH D009386, MONDO:0015356.

Allele frequency attached by ClinVar (database versions not stated): gnomAD 0.00004 and 0.00005; TOPMed 0.00004; gnomAD exomes below 0.00001 and 0.00001; ExAC 0.00001; 1000 Genomes Project 0.00020; 1000 Genomes Project 30x 0.00016.
gnomAD v4.1: 28 of 1,613,718 alleles (0.0017%); highest among the groups gnomAD compares: African/African-American, 0.008%; no homozygotes.

Submissions (12):

Ambry Genetics
Classification: Benign for Hereditary cancer-predisposing syndrome. Last evaluated: 2026-06-10. Review status: criteria provided, single submitter. Criteria: Ambry Variant Classification Scheme 2023. Collection method: clinical testing. Allele origin: germline.

Labcorp Genetics (formerly Invitae), Labcorp
Classification: Uncertain significance for Familial adenomatous polyposis 1. Last evaluated: 2026-01-09. Review status: criteria provided, single submitter. Criteria: Invitae Variant Classification Sherloc (09022015). Collection method: clinical testing. Allele origin: germline.
Comment: This sequence change replaces arginine, which is basic and polar, with glutamine, which is neutral and polar, at codon 2326 of the APC protein (p.Arg2326Gln). This variant is present in population databases (rs531178000, gnomAD 0.01%). This missense change has been observed in individual(s) with colorectal cancer (PMID: 29596542). ClinVar contains an entry for this variant (Variation ID: 140854). Invitae Evidence Modeling of protein sequence and biophysical properties (such as structural, functional, and spatial information, amino acid conservation, physicochemical variation, residue mobility, and thermodynamic stability) indicates that this missense variant is not expected to disrupt APC protein function with a negative predictive value of 95%. In summary, the available evidence is currently insufficient to determine the role of this variant in disease. Therefore, it has been classified as a Variant of Uncertain Significance.

Center for Genomic Medicine, Rigshospitalet, Copenhagen University Hospital
Classification: Likely benign. Last evaluated: 2025-03-04. Review status: criteria provided, single submitter. Criteria: ACMG Guidelines, 2015. Collection method: clinical testing. Allele origin: germline.
Comment: Classification criteria: BS1+BP1

Color Diagnostics, LLC DBA Color Health
Classification: Likely benign for Hereditary cancer-predisposing syndrome. Last evaluated: 2024-09-23. Review status: criteria provided, single submitter. Criteria: ACMG Guidelines, 2015. Collection method: clinical testing. Allele origin: germline.

All of Us Research Program, National Institutes of Health
Classification: Uncertain significance for Classic or attenuated familial adenomatous polyposis. Last evaluated: 2024-04-16. Review status: criteria provided, single submitter. Criteria: ACMG Guidelines, 2015. Collection method: clinical testing. Allele origin: germline. Inheritance: Autosomal dominant inheritance. Observed: 6 variant alleles, 6 heterozygotes.
Comment: This missense variant replaces arginine with glutamine at codon 2326 of the APC protein. Computational prediction suggests that this variant may not impact protein structure and function (internally defined REVEL score threshold <= 0.5, PMID: 27666373). Splice site prediction tools suggest that this variant may not impact RNA splicing. To our knowledge, functional studies have not been reported for this variant. This variant has not been reported in individuals affected with hereditary cancer in the literature. This variant has been identified in 3/282010 chromosomes in the general population by the Genome Aggregation Database (gnomAD). The available evidence is insufficient to determine the role of this variant in disease conclusively. Therefore, this variant is classified as a Variant of Uncertain Significance.

This study involves interpretation of variants in research participants for the purpose of population health screening. Participant phenotype was not available at the time of variant classification. Additional details can be found in publication PMID: 35346344, PMCID: PMC8962531

St. Jude Molecular Pathology, St. Jude Children's Research Hospital
Classification: Uncertain significance for Familial adenomatous polyposis 1. Last evaluated: 2023-08-17. Review status: criteria provided, single submitter. Criteria: St. Jude Assertion Criteria 2020. Collection method: clinical testing. Allele origin: germline.
Comment: The APC c.6977G>A (p.Arg2326Gln) missense change has a maximum subpopulation frequency of 0.01% in gnomAD v2.1.1. The in silico tool REVEL is inconclusive about a pathogenic or benign effect of this variant on protein function, and to our knowledge functional studies have not been performed. To our knowledge, this variant has not been reported in the literature in individuals with APC-related disease. In summary, the evidence currently available is insufficient to determine the clinical significance of this variant. It has therefore been classified as of uncertain significance.?

Quest Diagnostics Nichols Institute San Juan Capistrano
Classification: Uncertain significance. Last evaluated: 2023-01-05. Review status: criteria provided, single submitter. Criteria: Quest Diagnostics criteria. Collection method: clinical testing. Allele origin: unknown.
Comment: To the best of our knowledge, the variant has not been reported in the published literature. The frequency of this variant in the general population, 0.00012 (3/24850 chromosomes in African/African American subpopulation), is higher than would generally be expected for pathogenic variants in this gene. Analysis of this variant using bioinformatics tools for the prediction of the effect of amino acid changes on protein structure and function yielded conflicting predictions that this variant is benign or damaging. Based on the available information, we are unable to determine the clinical significance of this variant.

Women's Health and Genetics/Laboratory Corporation of America, LabCorp
Classification: Uncertain significance. Last evaluated: 2022-06-06. Review status: criteria provided, single submitter. Criteria: LabCorp Variant Classification Summary - May 2015. Collection method: clinical testing. Allele origin: germline.
Comment: Variant summary: APC c.6977G>A (p.Arg2326Gln) results in a conservative amino acid change located in the adenomatous polyposis coli protein basic domain of the encoded protein sequence. Three of five in-silico tools predict a damaging effect of the variant on protein function. The variant allele was found at a frequency of 4e-06 in 250628 control chromosomes (gnomAD). The available data on variant occurrences in the general population are insufficient to allow any conclusion about variant significance. To our knowledge, no occurrence of c.6977G>A in individuals affected with APC-related cancer syndromes and no experimental evidence demonstrating its impact on protein function have been reported. Four clinical diagnostic laboratories have submitted clinical-significance assessments for this variant to ClinVar after 2014 and all classified the variant as uncertain significance. Based on the evidence outlined above, the variant was classified as uncertain significance.

Sema4
Classification: Uncertain significance for Hereditary cancer-predisposing syndrome. Last evaluated: 2021-06-03. Review status: criteria provided, single submitter. Criteria: Sema4 Curation Guidelines. Collection method: curation. Allele origin: germline.
Comment: The APC c.6977G>A (p.R2326Q) variant has been reported in at least one individual with colorectal cancer (PMID: 29596542). It was observed in 3/24850 chromosomes of the African/African American subpopulation in the large and broad cohorts of the Genome Aggregation Database (PMID: 32461654). The variant has been reported in ClinVar (Variation ID 140854). In silico tools suggest the impact of the variant on protein function is inconclusive though these predictions have not been confirmed by functional studies. The evidence is insufficient to meet ACMG/AMP criteria for classifying the variant as benign or pathogenic. Thus, the clinical significance of this variant is currently uncertain.

GeneDx
Classification: Uncertain significance. Last evaluated: 2021-02-23. Review status: criteria provided, single submitter. Criteria: GeneDx Variant Classification Process June 2021. Collection method: clinical testing. Allele origin: germline. Affected: yes.
Comment: In silico analysis supports that this missense variant does not alter protein structure/function; Has not been previously published as pathogenic or benign to our knowledge

Joint Genome Diagnostic Labs from Nijmegen and Maastricht, Radboudumc and MUMC+
Classification: Uncertain significance. Review status: no assertion criteria provided. Collection method: clinical testing. Allele origin: germline. Affected: yes. Study: VKGL Data-share Consensus. Not counted in ClinVar's aggregate classification.

Laboratory of Diagnostic Genome Analysis, Leiden University Medical Center (LUMC)
Classification: Uncertain significance. Review status: no assertion criteria provided. Collection method: clinical testing. Allele origin: germline. Affected: yes. Study: VKGL Data-share Consensus. Not counted in ClinVar's aggregate classification.

Literature cited by the submitters: PubMed 29596542 (cited by 3 submitters).

NM_000038.6(APC):c.6977G>A (p.Arg2326Gln)

Gene: APC (APC regulator of Wnt signaling pathway; plus strand). Cytogenetic location: 5q22.2.
Variant type: single nucleotide variant.
Coding change: c.6977G>A on transcript NM_000038.6 (MANE Select); coding-DNA position 6977, G replaced by A.
Protein change: p.Arg2326Gln; replaces arginine 2326 with glutamine.
Molecular consequence: missense variant.
Genome position (GRCh38, 1-based): chr5:112,842,571, G>A. VCF-style: chr5-112842571-G-A. GRCh37 (hg19) VCF-style: chr5-112178268-G-A.
Other names: c.6977G>A, p.Arg2326Gln (NM_001127510.3, NM_001354895.2); c.6923G>A, p.Arg2308Gln (NM_001127511.3); c.7031G>A, p.Arg2344Gln (NM_001354896.2); c.7007G>A, p.Arg2336Gln (NM_001354897.2); c.6902G>A, p.Arg2301Gln (NM_001354898.2); c.6893G>A, p.Arg2298Gln (NM_001354899.2); c.6854G>A, p.Arg2285Gln (NM_001354900.2); c.6800G>A, p.Arg2267Gln (NM_001354901.2); and 5 more; short protein forms R2308Q, R2326Q, R2225Q, R2285Q, R2235Q, R2336Q, R2043Q, R2267Q.
Identifiers: ClinVar variation 140854 (VCV000140854.38), dbSNP rs531178000, ClinGen allele CA012730.